The following is an entry in ClinVar:

NM_001035.3(RYR2):c.9174A>T (p.Arg3058Ser)

Gene: RYR2 (ryanodine receptor 2; plus strand). Cytogenetic location: 1q43.
Variant type: single nucleotide variant.
Coding change: c.9174A>T on transcript NM_001035.3 (MANE Select); coding-DNA position 9174, A replaced by T.
Protein change: p.Arg3058Ser; replaces arginine 3058 with serine.
Molecular consequence: missense variant.
Genome position (GRCh38, 1-based): chr1:237,700,274, A>T. VCF-style: chr1-237700274-A-T. GRCh37 (hg19) VCF-style: chr1-237863574-A-T.
Other names: short protein forms R3058S.
Identifiers: ClinVar variation 3073731 (VCV003073731.1), dbSNP rs1050820001, ClinGen allele CA345405542.

ClinVar aggregate classification (germline): Uncertain significance (1 of 4 stars; one submission).

Conditions:
Catecholaminergic polymorphic ventricular tachycardia (CVPT). Also called: Catecholamine-induced polymorphic ventricular tachycardia. Identifiers: Orphanet 3286, MedGen C5574922, MONDO:0017990.

Submission:

All of Us Research Program, National Institutes of Health
Classification: Uncertain significance for Catecholaminergic polymorphic ventricular tachycardia. Last evaluated: 2023-10-06. Review status: criteria provided, single submitter. Criteria: ACMG Guidelines, 2015. Collection method: clinical testing. Allele origin: germline. Inheritance: Autosomal dominant inheritance. Observed: 1 variant allele, 1 heterozygote.
Comment: This missense variant replaces arginine with serine at codon 3058 of the RYR2 protein. Computational prediction suggests that this variant may not impact protein structure and function (internally defined REVEL score threshold <= 0.5, PMID: 27666373). To our knowledge, functional studies have not been reported for this variant. This variant has not been reported in individuals affected with RYR2-related disorders in the literature. This variant has not been identified in the general population by the Genome Aggregation Database (gnomAD). The available evidence is insufficient to determine the role of this variant in disease conclusively. Therefore, this variant is classified as a Variant of Uncertain Significance.

This study involves interpretation of variants in research participants for the purpose of population health screening. Participant phenotype was not available at the time of variant classification. Additional details can be found in publication PMID: 35346344, PMCID: PMC8962531